The following is an entry in ClinVar:

ClinVar aggregate classification (germline): Uncertain significance (1 of 4 stars; one submission).

Conditions:
Chédiak-Higashi syndrome (CHS). Also called: Chediak-Higashi Syndrome. Identifiers: Orphanet 167, MedGen C0007965, MONDO:0008963, OMIM 214500.

Allele frequency attached by ClinVar (database versions not stated): gnomAD exomes below 0.00001; gnomAD 0.00001.
gnomAD v4.1: 2 of 1,611,332 alleles (0.00012%); highest among the groups gnomAD compares: African/African-American, 0.0027%; no homozygotes.

Submission:

Labcorp Genetics (formerly Invitae), Labcorp
Classification: Uncertain significance for Chédiak-Higashi syndrome. Last evaluated: 2022-08-23. Review status: criteria provided, single submitter. Criteria: Invitae Variant Classification Sherloc (09022015). Collection method: clinical testing. Allele origin: germline.
Comment: This sequence change replaces cysteine, which is neutral and slightly polar, with tryptophan, which is neutral and slightly polar, at codon 2498 of the LYST protein (p.Cys2498Trp). This variant is present in population databases (no rsID available, gnomAD 0.01%). This variant has not been reported in the literature in individuals affected with LYST-related conditions. ClinVar contains an entry for this variant (Variation ID: 1059016). Algorithms developed to predict the effect of missense changes on protein structure and function are either unavailable or do not agree on the potential impact of this missense change (SIFT: "Deleterious"; PolyPhen-2: "Benign"; Align-GVGD: "Class C0"). In summary, the available evidence is currently insufficient to determine the role of this variant in disease. Therefore, it has been classified as a Variant of Uncertain Significance.

NM_000081.4(LYST):c.7494T>G (p.Cys2498Trp)

Gene: LYST (lysosomal trafficking regulator; minus strand). Cytogenetic location: 1q42.3.
Variant type: single nucleotide variant.
Coding change: c.7494T>G on transcript NM_000081.4 (MANE Select); coding-DNA position 7494, T replaced by G.
Protein change: p.Cys2498Trp; replaces cysteine 2498 with tryptophan.
Molecular consequence: missense variant.
Genome position (GRCh38, 1-based): chr1:235,752,138, A>C on the plus strand (T>G on the coding strand, the complement: LYST is on the minus strand). VCF-style: chr1-235752138-A-C. GRCh37 (hg19) VCF-style: chr1-235915438-A-C.
Other names: c.7494T>G, p.Cys2498Trp (NM_001301365.1); short protein forms C2498W.
Identifiers: ClinVar variation 1059016 (VCV001059016.2), dbSNP rs1373455694, ClinGen allele CA344930869.